The following is an entry in ClinVar:

ClinVar aggregate classification (germline): Uncertain significance. Review status: criteria provided, multiple submitters, no conflicts (2 of 4 stars). 2 submissions from 2 submitters: Uncertain significance (2). Last evaluated 2023-11-01.

Conditions:
Hereditary cancer-predisposing syndrome. Also called: Neoplastic Syndromes, Hereditary; Hereditary Cancer Syndrome; Tumor predisposition; Hereditary neoplastic syndrome. Identifiers: Orphanet 140162, MedGen C0027672, MeSH D009386, MONDO:0015356.
Familial adenomatous polyposis 1 (FAP1). Also called: FAMILIAL ADENOMATOUS POLYPOSIS 1, ATTENUATED; POLYPOSIS, ADENOMATOUS INTESTINAL. Identifiers: MedGen C2713442, MONDO:0021056, OMIM 175100. Disease mechanism: loss of function.

Submissions (2):

Ambry Genetics
Classification: Uncertain significance for Hereditary cancer-predisposing syndrome. Last evaluated: 2023-11-01. Review status: criteria provided, single submitter. Criteria: Ambry Variant Classification Scheme 2023. Collection method: clinical testing. Allele origin: germline.
Comment: The p.D1084N variant (also known as c.3250G>A), located in coding exon 15 of the APC gene, results from a G to A substitution at nucleotide position 3250. The aspartic acid at codon 1084 is replaced by asparagine, an amino acid with highly similar properties. This amino acid position is well conserved in available vertebrate species. In addition, in silico predictors for this gene do not accurately predict pathogenicity. Since supporting evidence is limited at this time, the clinical significance of this alteration remains unclear.

Labcorp Genetics (formerly Invitae), Labcorp
Classification: Uncertain significance for Familial adenomatous polyposis 1. Last evaluated: 2021-01-27. Review status: criteria provided, single submitter. Criteria: Invitae Variant Classification Sherloc (09022015). Collection method: clinical testing. Allele origin: germline.
Comment: Algorithms developed to predict the effect of missense changes on protein structure and function (SIFT, PolyPhen-2, Align-GVGD) all suggest that this variant is likely to be tolerated, but these predictions have not been confirmed by published functional studies and their clinical significance is uncertain. This variant has not been reported in the literature in individuals with APC-related conditions. This variant is not present in population databases (ExAC no frequency). This sequence change replaces aspartic acid with asparagine at codon 1084 of the APC protein (p.Asp1084Asn). The aspartic acid residue is moderately conserved and there is a small physicochemical difference between aspartic acid and asparagine. In summary, the available evidence is currently insufficient to determine the role of this variant in disease. Therefore, it has been classified as a Variant of Uncertain Significance.

NM_000038.6(APC):c.3250G>A (p.Asp1084Asn)

Gene: APC (APC regulator of Wnt signaling pathway; plus strand). Cytogenetic location: 5q22.2.
Variant type: single nucleotide variant.
Coding change: c.3250G>A on transcript NM_000038.6 (MANE Select); coding-DNA position 3250, G replaced by A.
Protein change: p.Asp1084Asn; replaces aspartic acid 1084 with asparagine.
Molecular consequence: missense variant.
Genome position (GRCh38, 1-based): chr5:112,838,844, G>A. VCF-style: chr5-112838844-G-A. GRCh37 (hg19) VCF-style: chr5-112174541-G-A.
Other names: c.3250G>A, p.Asp1084Asn (NM_001127510.3, NM_001354895.2); c.3196G>A, p.Asp1066Asn (NM_001127511.3); c.3304G>A, p.Asp1102Asn (NM_001354896.2); c.3280G>A, p.Asp1094Asn (NM_001354897.2); c.3175G>A, p.Asp1059Asn (NM_001354898.2); c.3166G>A, p.Asp1056Asn (NM_001354899.2); c.3127G>A, p.Asp1043Asn (NM_001354900.2); c.3073G>A, p.Asp1025Asn (NM_001354901.2); and 5 more; short protein forms D1059N, D1066N, D1102N, D993N, D1056N, D1084N, D801N, D958N.
Identifiers: ClinVar variation 1474879 (VCV001474879.10), dbSNP rs2149887927, ClinGen allele CA16028461.